The following is an entry in ClinVar:

NM_001098671.2(RASGRP2):c.1388C>A (p.Ala463Asp)

Gene: RASGRP2 (RAS guanyl releasing protein 2; minus strand). Cytogenetic location: 11q13.1.
Variant type: single nucleotide variant.
Coding change: c.1388C>A on transcript NM_001098671.2 (MANE Select); coding-DNA position 1388, C replaced by A.
Protein change: p.Ala463Asp; replaces alanine 463 with aspartic acid.
Molecular consequence: missense variant.
Genome position (GRCh38, 1-based): chr11:64,735,136, G>T on the plus strand (C>A on the coding strand, the complement: RASGRP2 is on the minus strand). VCF-style: chr11-64735136-G-T. GRCh37 (hg19) VCF-style: chr11-64502608-G-T.
Other names: c.1388C>A, p.Ala463Asp (NM_001098670.2, NM_153819.2); c.953C>A, p.Ala318Asp (NM_001318398.2); short protein forms A318D, A463D.
Identifiers: ClinVar variation 3668714 (VCV003668714.2).

ClinVar aggregate classification (germline): Uncertain significance (1 of 4 stars; one submission).

gnomAD v4.1: 28 of 1,614,036 alleles (0.0017%); highest among the groups gnomAD compares: Non-Finnish European, 0.0022%; no homozygotes.

Submission:

Labcorp Genetics (formerly Invitae), Labcorp
Classification: Uncertain significance. Last evaluated: 2025-08-04. Review status: criteria provided, single submitter. Criteria: Invitae Variant Classification Sherloc (09022015). Collection method: clinical testing. Allele origin: germline.
Comment: This sequence change replaces alanine, which is neutral and non-polar, with aspartic acid, which is acidic and polar, at codon 463 of the RASGRP2 protein (p.Ala463Asp). This variant is present in population databases (rs373654113, gnomAD 0.0009%). This variant has not been reported in the literature in individuals affected with RASGRP2-related conditions. ClinVar contains an entry for this variant (Variation ID: 3668714). Invitae Evidence Modeling of protein sequence and biophysical properties (such as structural, functional, and spatial information, amino acid conservation, physicochemical variation, residue mobility, and thermodynamic stability) indicates that this missense variant is not expected to disrupt RASGRP2 protein function with a negative predictive value of 80%. In summary, the available evidence is currently insufficient to determine the role of this variant in disease. Therefore, it has been classified as a Variant of Uncertain Significance.